The following is an entry in ClinVar:

ClinVar aggregate classification (germline): Likely benign. Review status: criteria provided, multiple submitters, no conflicts (2 of 4 stars). 4 submissions from 4 submitters: Likely benign (3). 1 of the submissions does not count toward it. Last evaluated 2025-08-12.

Conditions:
WDR1-related disorder. Also called: WDR1-related condition.

Allele frequency attached by ClinVar (database versions not stated): gnomAD 0.00003; ExAC 0.00004; gnomAD exomes 0.00005; ESP Exome Variant Server 0.00008.
gnomAD v4.1: 79 of 1,612,818 alleles (0.0049%); highest among the groups gnomAD compares: Middle Eastern, 0.017%; no homozygotes.

Submissions (4):

Labcorp Genetics (formerly Invitae), Labcorp
Classification: Likely benign. Last evaluated: 2025-08-12. Review status: criteria provided, single submitter. Criteria: Invitae Variant Classification Sherloc (09022015). Collection method: clinical testing. Allele origin: germline.

Blueprint Genetics
Classification: Likely benign. Last evaluated: 2024-10-24. Review status: criteria provided, single submitter. Criteria: ACMG Guidelines, 2015. Collection method: clinical testing. Allele origin: germline.

CeGaT Center for Human Genetics Tuebingen
Classification: Likely benign. Last evaluated: 2024-01-01. Review status: criteria provided, single submitter. Criteria: CeGaT Center For Human Genetics Tuebingen Variant Classification Criteria Version 2. Collection method: clinical testing. Allele origin: germline. Affected: yes. Observed: 1 variant allele.
Comment: WDR1: BP4, BP7

PreventionGenetics, part of Exact Sciences
Classification: Likely benign for WDR1-related condition. Last evaluated: 2024-01-22. Review status: no assertion criteria provided. Collection method: clinical testing. Allele origin: germline. Not counted in ClinVar's aggregate classification.
Comment: This variant is classified as likely benign based on ACMG/AMP sequence variant interpretation guidelines (Richards et al. 2015 PMID: 25741868, with internal and published modifications).

NM_017491.5(WDR1):c.453C>T (p.Ser151=)

Gene: WDR1 (WD repeat domain 1; minus strand). Cytogenetic location: 4p16.1.
Variant type: single nucleotide variant.
Coding change: c.453C>T on transcript NM_017491.5 (MANE Select); coding-DNA position 453, C replaced by T.
Protein change: p.Ser151=; no amino-acid change (serine 151 retained).
Molecular consequence: synonymous variant. On other transcripts: intron variant (1).
Genome position (GRCh38, 1-based): chr4:10,097,816, G>A on the plus strand (C>T on the coding strand, the complement: WDR1 is on the minus strand). VCF-style: chr4-10097816-G-A. GRCh37 (hg19) VCF-style: chr4-10099440-G-A.
Other names: c.139-9075C>T (NM_005112.5); c.453C>T (NM_017491.3).
Identifiers: ClinVar variation 1581495 (VCV001581495.32), dbSNP rs367797658, ClinGen allele CA2858054.